The following is an entry in ClinVar:

ClinVar aggregate classification (germline): Uncertain significance (1 of 4 stars; one submission).

Allele frequency attached by ClinVar (database versions not stated): gnomAD exomes below 0.00001.
gnomAD v4.1: 1 of 1,602,096 alleles (0.000062%); highest among the groups gnomAD compares: Non-Finnish European, 0.000085%; no homozygotes.

Submission:

Ambry Genetics
Classification: Uncertain significance. Last evaluated: 2024-11-14. Review status: criteria provided, single submitter. Criteria: Ambry Variant Classification Scheme 2023. Collection method: clinical testing. Allele origin: germline.
Comment: The p.A744V variant (also known as c.2231C>T), located in coding exon 15 of the RINT1 gene, results from a C to T substitution at nucleotide position 2231. The alanine at codon 744 is replaced by valine, an amino acid with similar properties. This amino acid position is conserved. In addition, the in silico prediction for this alteration is inconclusive. Since supporting evidence is limited at this time, the clinical significance of this alteration remains unclear.

NM_021930.6(RINT1):c.2231C>T (p.Ala744Val)

Genes: EFCAB10 (EF-hand calcium binding domain 10; minus strand), RINT1 (RAD50 interactor 1; plus strand). Cytogenetic location: 7q22.3.
Variant type: single nucleotide variant.
Coding change: c.2231C>T on transcript NM_021930.6 (MANE Select); coding-DNA position 2231, C replaced by T.
Protein change: p.Ala744Val; replaces alanine 744 with valine.
Molecular consequence: missense variant. On other transcripts: 3 prime UTR variant (2), non-coding transcript variant (1), intron variant (3).
Genome position (GRCh38, 1-based): chr7:105,567,163, C>T. VCF-style: chr7-105567163-C-T. GRCh37 (hg19) VCF-style: chr7-105207610-C-T.
Other names: c.*291G>A (NM_001355527.2, NM_001355529.2); c.1997C>T, p.Ala666Val (NM_001346599.2); c.1208C>T, p.Ala403Val (NM_001346600.2, NM_001346603.2); c.1307C>T, p.Ala436Val (NM_001346601.2); c.360-1716G>A (NM_001355531.2); c.383+304G>A (NM_001355526.2, NM_001355530.2); short protein forms A436V, A403V, A666V, A744V.
Identifiers: ClinVar variation 1788120 (VCV001788120.3), dbSNP rs1378660877, ClinGen allele CA368815448.